The following is an entry in ClinVar:

ClinVar aggregate classification (germline): Benign/Likely benign. Review status: criteria provided, multiple submitters, no conflicts (2 of 4 stars). 4 submissions from 4 submitters: Benign (1); Likely benign (3). Last evaluated 2026-05-01.

Conditions:
Developmental and epileptic encephalopathy 91. Also called: EPILEPTIC ENCEPHALOPATHY, INFANTILE OR EARLY CHILDHOOD, 1. Identifiers: MedGen C4540199, MONDO:0020630, OMIM 617711.
Arthrogryposis, cleft palate, craniosynostosis, and impaired intellectual development. Identifiers: Orphanet 565858, MedGen C4748872, MONDO:0032642, OMIM 618265.

Allele frequency attached by ClinVar (database versions not stated): 1000 Genomes Project 30x 0.00016; 1000 Genomes Project 0.00020; gnomAD 0.00024 and 0.00025; TOPMed 0.00030; gnomAD exomes 0.00036; ExAC 0.00047; ESP Exome Variant Server 0.00062.
gnomAD v4.1: 859 of 1,612,778 alleles (0.053%); highest among the groups gnomAD compares: Non-Finnish European, 0.069%; no homozygotes.

Submissions (4):

CeGaT Center for Human Genetics Tuebingen
Classification: Likely benign. Last evaluated: 2026-05-01. Review status: criteria provided, single submitter. Criteria: CeGaT Center For Human Genetics Tuebingen Variant Classification Criteria Version 2. Collection method: clinical testing. Allele origin: germline. Affected: yes. Observed: 1 variant allele.
Comment: PPP3CA: BP4, BP7

Labcorp Genetics (formerly Invitae), Labcorp
Classification: Benign. Last evaluated: 2025-12-17. Review status: criteria provided, single submitter. Criteria: Invitae Variant Classification Sherloc (09022015). Collection method: clinical testing. Allele origin: germline.

Blueprint Genetics
Classification: Likely benign. Last evaluated: 2024-10-21. Review status: criteria provided, single submitter. Criteria: ACMG Guidelines, 2015. Collection method: clinical testing. Allele origin: germline.

Fulgent Genetics
Classification: Likely benign for Developmental and epileptic encephalopathy 91; Arthrogryposis, cleft palate, craniosynostosis, and impaired intellectual development. Last evaluated: 2022-03-02. Review status: criteria provided, single submitter. Criteria: ACMG Guidelines, 2015. Collection method: clinical testing. Allele origin: unknown.

NM_000944.5(PPP3CA):c.588G>A (p.Leu196=)

Gene: PPP3CA (protein phosphatase 3 catalytic subunit alpha; minus strand). Cytogenetic location: 4q24.
Variant type: single nucleotide variant.
Coding change: c.588G>A on transcript NM_000944.5 (MANE Select); coding-DNA position 588, G replaced by A.
Protein change: p.Leu196=; no amino-acid change (leucine 196 retained).
Molecular consequence: synonymous variant.
Genome position (GRCh38, 1-based): chr4:101,098,421, C>T on the plus strand (G>A on the coding strand, the complement: PPP3CA is on the minus strand). VCF-style: chr4-101098421-C-T. GRCh37 (hg19) VCF-style: chr4-102019578-C-T.
Other names: c.588G>A, p.Leu196= (NM_001130691.2, NM_001130692.2).
Identifiers: ClinVar variation 1600791 (VCV001600791.12), dbSNP rs142339019, ClinGen allele CA3024457.